The following is an entry in ClinVar:

ClinVar aggregate classification (germline): Uncertain significance. Review status: criteria provided, multiple submitters, no conflicts (2 of 4 stars). 2 submissions from 2 submitters: Uncertain significance (2). Last evaluated 2024-01-03.

Allele frequency attached by ClinVar (database versions not stated): gnomAD exomes below 0.00001; TOPMed below 0.00001.
gnomAD v4.1: 1 of 1,613,562 alleles (0.000062%); highest among the groups gnomAD compares: Admixed American, 0.0017%; no homozygotes.

Submissions (2):

Women's Health and Genetics/Laboratory Corporation of America, LabCorp
Classification: Uncertain significance. Last evaluated: 2024-01-03. Review status: criteria provided, single submitter. Criteria: LabCorp Variant Classification Summary - May 2015. Collection method: clinical testing. Allele origin: germline.
Comment: Variant summary: MME c.993G>T (p.Met331Ile) results in a conservative amino acid change located in the Peptidase M13, N-terminal domain (IPR008753) of the encoded protein sequence. Four of five in-silico tools predict a benign effect of the variant on protein function. The variant allele was found at a frequency of 4e-06 in 251032 control chromosomes. The available data on variant occurrences in the general population are insufficient to allow any conclusion about variant significance. To our knowledge, no occurrence of c.993G>T in individuals affected with Charcot-Marie Disease Axonal Type 2T and no experimental evidence demonstrating its impact on protein function have been reported. No submitters have cited clinical-significance assessments for this variant to ClinVar after 2014. Based on the evidence outlined above, the variant was classified as uncertain significance.

Breakthrough Genomics
Classification: Uncertain significance. Review status: criteria provided, single submitter. Criteria: ACMG Guidelines, 2015. Collection method: not provided. Allele origin: germline. Inheritance: Autosomal recessive inheritance. Affected: yes.

NM_007289.4(MME):c.993G>T (p.Met331Ile)

Gene: MME (membrane metalloendopeptidase; plus strand). Cytogenetic location: 3q25.2.
Variant type: single nucleotide variant.
Coding change: c.993G>T on transcript NM_007289.4 (MANE Select); coding-DNA position 993, G replaced by T.
Protein change: p.Met331Ile; replaces methionine 331 with isoleucine.
Molecular consequence: missense variant.
Genome position (GRCh38, 1-based): chr3:155,142,026, G>T. VCF-style: chr3-155142026-G-T. GRCh37 (hg19) VCF-style: chr3-154859815-G-T.
Other names: c.993G>T, p.Met331Ile (NM_000902.5, NM_001354642.2, NM_001354643.1 and 2 more transcripts); short protein forms M331I.
Identifiers: ClinVar variation 3063734 (VCV003063734.2), dbSNP rs1298351369, ClinGen allele CA355129799.